The following is an entry in ClinVar:

ClinVar aggregate classification (germline): Uncertain significance (1 of 4 stars; one submission).

Conditions:
Charcot-Marie-Tooth disease dominant intermediate B (CMTDIB). Also called: Charcot-Marie-Tooth disease dominant intermediate 1; CMT DI1; Charcot-Marie-Tooth disease dominant intermediate I; CHARCOT-MARIE-TOOTH NEUROPATHY, DOMINANT INTERMEDIATE B. Identifiers: Orphanet 100044, Orphanet 228179, MedGen C1847902, MONDO:0011674, OMIM 606482.

gnomAD v4.1: 2 of 1,613,160 alleles (0.00012%); highest among the groups gnomAD compares: African/African-American, 0.0027%; no homozygotes.

Submission:

Labcorp Genetics (formerly Invitae), Labcorp
Classification: Uncertain significance for Charcot-Marie-Tooth disease dominant intermediate B. Last evaluated: 2022-05-18. Review status: criteria provided, single submitter. Criteria: Invitae Variant Classification Sherloc (09022015). Collection method: clinical testing. Allele origin: germline.
Comment: This sequence change falls in intron 9 of the DNM2 gene. It does not directly change the encoded amino acid sequence of the DNM2 protein. In summary, the available evidence is currently insufficient to determine the role of this variant in disease. Therefore, it has been classified as a Variant of Uncertain Significance. Algorithms developed to predict the effect of sequence changes on RNA splicing suggest that this variant may disrupt the consensus splice site. This variant has not been reported in the literature in individuals affected with DNM2-related conditions. This variant is present in population databases (no rsID available, gnomAD 0.01%).

NM_001005361.3(DNM2):c.1196+613C>G

Gene: DNM2 (dynamin 2; plus strand). Cytogenetic location: 19p13.2.
Variant type: single nucleotide variant.
Coding change: c.1196+613C>G on transcript NM_001005361.3 (MANE Select); 613 bases into the intron after coding-DNA position 1196, C replaced by G.
Molecular consequence: intron variant.
Genome position (GRCh38, 1-based): chr19:10,796,052, C>G. VCF-style: chr19-10796052-C-G. GRCh37 (hg19) VCF-style: chr19-10906728-C-G.
Other names: c.1197-9C>G (NM_001005360.3, NM_001190716.2, NM_004945.4); c.1196+613C>G (NM_001005362.3).
Identifiers: ClinVar variation 1903580 (VCV001903580.5), dbSNP rs530195152, ClinGen allele CA631742999.